The following is an entry in ClinVar:

ClinVar aggregate classification (germline): Uncertain significance (1 of 4 stars; one submission).

Conditions:
Progressive microcephaly-seizures-cortical blindness-developmental delay syndrome. Also called: Seizures, cortical blindness, and microcephaly syndrome. Identifiers: Orphanet 477814, MedGen C5567650, MONDO:0014714, OMIM 616632.
Autosomal dominant nonsyndromic hearing loss 1. Also called: DEAFNESS, AUTOSOMAL DOMINANT 1, WITH OR WITHOUT THROMBOCYTOPENIA; KONIGSMARK SYNDROME. Identifiers: Orphanet 90635, MedGen C1852282, MONDO:0007424, OMIM 124900.

Allele frequency attached by ClinVar (database versions not stated): gnomAD exomes below 0.00001; gnomAD 0.00001.
gnomAD v4.1: 3 of 1,523,342 alleles (0.0002%); highest among the groups gnomAD compares: African/African-American, 0.0014%; no homozygotes.

Submission:

Labcorp Genetics (formerly Invitae), Labcorp
Classification: Uncertain significance for Progressive microcephaly-seizures-cortical blindness-developmental delay syndrome; Autosomal dominant nonsyndromic hearing loss 1. Last evaluated: 2025-08-11. Review status: criteria provided, single submitter. Criteria: Invitae Variant Classification Sherloc (09022015). Collection method: clinical testing. Allele origin: germline.
Comment: This sequence change replaces arginine, which is basic and polar, with tryptophan, which is neutral and slightly polar, at codon 15 of the DIAPH1 protein (p.Arg15Trp). This variant is not present in population databases (gnomAD no frequency). This variant has not been reported in the literature in individuals affected with DIAPH1-related conditions. ClinVar contains an entry for this variant (Variation ID: 2095481). Experimental studies and prediction algorithms are not available or were not evaluated, and the functional significance of this variant is currently unknown. In summary, the available evidence is currently insufficient to determine the role of this variant in disease. Therefore, it has been classified as a Variant of Uncertain Significance.

NM_005219.5(DIAPH1):c.43C>T (p.Arg15Trp)

Gene: DIAPH1 (diaphanous related formin 1; minus strand). Cytogenetic location: 5q31.3.
Variant type: single nucleotide variant.
Coding change: c.43C>T on transcript NM_005219.5 (MANE Select); coding-DNA position 43, C replaced by T.
Protein change: p.Arg15Trp; replaces arginine 15 with tryptophan.
Molecular consequence: missense variant.
Genome position (GRCh38, 1-based): chr5:141,618,872, G>A on the plus strand (C>T on the coding strand, the complement: DIAPH1 is on the minus strand). VCF-style: chr5-141618872-G-A. GRCh37 (hg19) VCF-style: chr5-140998439-G-A.
Other names: c.43C>T, p.Arg15Trp (NM_001079812.3, NM_001314007.2); short protein forms R15W.
Identifiers: ClinVar variation 2095481 (VCV002095481.4), dbSNP rs2099903140, ClinGen allele CA361508782.
Genomic context (GRCh38, chr5:141,618,872, plus strand): 5'-TGCCGCCGTCGCCGCCCGCCGAGGGCAGCTCATCTGGGCTCCGGCCCTTCTTCTTGTCCC[G>A]GGTCCCGCGGCCGGGCCCCAGGCTCCCGCCGGGCGGCTCCATGTCCCGGTTCACGCTGGC-3'
Protein context (NP_005210.3, residues 5-25): GGSLGPGRGT[Arg15Trp]DKKKGRSPDE